The following is an entry in ClinVar:

NM_004655.4(AXIN2):c.1279C>A (p.Pro427Thr)

Gene: AXIN2 (axin 2; minus strand). Cytogenetic location: 17q24.1.
Variant type: single nucleotide variant.
Coding change: c.1279C>A on transcript NM_004655.4 (MANE Select); coding-DNA position 1279, C replaced by A.
Protein change: p.Pro427Thr; replaces proline 427 with threonine.
Molecular consequence: missense variant.
Genome position (GRCh38, 1-based): chr17:65,537,757, G>T on the plus strand (C>A on the coding strand, the complement: AXIN2 is on the minus strand). VCF-style: chr17-65537757-G-T. GRCh37 (hg19) VCF-style: chr17-63533875-G-T.
Other names: c.1279C>A, p.Pro427Thr (NM_001363813.1); short protein forms P427T.
Identifiers: ClinVar variation 5032608 (VCV005032608.1).

ClinVar aggregate classification (germline): Uncertain significance (1 of 4 stars; one submission).

Conditions:
Hereditary cancer-predisposing syndrome. Also called: Neoplastic Syndromes, Hereditary; Tumor predisposition; Hereditary neoplastic syndrome; Hereditary Cancer Syndrome. Identifiers: Orphanet 140162, MedGen C0027672, MeSH D009386, MONDO:0015356.

Submission:

Ambry Genetics
Classification: Uncertain significance for Hereditary cancer-predisposing syndrome. Last evaluated: 2026-07-07. Review status: criteria provided, single submitter. Criteria: Ambry Variant Classification Scheme 2023. Collection method: clinical testing. Allele origin: germline.
Comment: The p.P427T variant (also known as c.1279C>A), located in coding exon 5 of the AXIN2 gene, results from a C to A substitution at nucleotide position 1279. The proline at codon 427 is replaced by threonine, an amino acid with highly similar properties. This amino acid position is conserved. In addition, this alteration is predicted to be tolerated by in silico analysis. Based on the available evidence, the clinical significance of this variant remains unclear.